The following is an entry in ClinVar:

NM_001369.3(DNAH5):c.986A>G (p.Glu329Gly)

Gene: DNAH5 (dynein axonemal heavy chain 5; minus strand). Cytogenetic location: 5p15.2.
Variant type: single nucleotide variant.
Coding change: c.986A>G on transcript NM_001369.3 (MANE Select); coding-DNA position 986, A replaced by G.
Protein change: p.Glu329Gly; replaces glutamic acid 329 with glycine.
Molecular consequence: missense variant.
Genome position (GRCh38, 1-based): chr5:13,917,246, T>C on the plus strand (A>G on the coding strand, the complement: DNAH5 is on the minus strand). VCF-style: chr5-13917246-T-C. GRCh37 (hg19) VCF-style: chr5-13917355-T-C.
Other names: short protein forms E329G.
Identifiers: ClinVar variation 1768441 (VCV001768441.29), dbSNP rs483353127, ClinGen allele CA3204994.
Genomic context (GRCh38, chr5:13,917,246, plus strand): 5'-TACAAGTATTTCACATTGTCCTTTGCTTCATTAGTTGCATCAGTGATTCGAATATCCATC[T>C]CCCGCCAAGTCTAAGCACAATAGGGAAAAGCAATTTTAATGTAATTATTAATAGAGGAAC-3'
Protein context (NP_001360.1, residues 319-339): AKSKLLKTWR[Glu329Gly]MDIRITDATN

ClinVar aggregate classification (germline): Conflicting classifications of pathogenicity. Review status: criteria provided, conflicting classifications (1 of 4 stars). 3 submissions from 3 submitters: Uncertain significance (1); Likely benign (2). Last evaluated 2026-01-11.

Conditions:
Primary ciliary dyskinesia. Also called: Ciliary dyskinesia. Identifiers: Orphanet 244, MedGen C0008780, MONDO:0016575, HP:0012265.

Allele frequency attached by ClinVar (database versions not stated): gnomAD exomes 0.00001; gnomAD 0.00003; TOPMed 0.00004; ExAC 0.00005.
gnomAD v4.1: 27 of 1,613,424 alleles (0.0017%); highest among the groups gnomAD compares: Middle Eastern, 0.25%; no homozygotes.

Submissions (3):

Labcorp Genetics (formerly Invitae), Labcorp
Classification: Likely benign for Primary ciliary dyskinesia. Last evaluated: 2026-01-11. Review status: criteria provided, single submitter. Criteria: Invitae Variant Classification Sherloc (09022015). Collection method: clinical testing. Allele origin: germline.

CeGaT Center for Human Genetics Tuebingen
Classification: Likely benign. Last evaluated: 2023-12-01. Review status: criteria provided, single submitter. Criteria: CeGaT Center For Human Genetics Tuebingen Variant Classification Criteria Version 2. Collection method: clinical testing. Allele origin: germline. Affected: yes. Observed: 1 variant allele.
Comment: DNAH5: BP4

Ambry Genetics
Classification: Uncertain significance for Primary ciliary dyskinesia. Last evaluated: 2022-02-07. Review status: criteria provided, single submitter. Criteria: Ambry Variant Classification Scheme 2023. Collection method: clinical testing. Allele origin: germline.
Comment: The p.E329G variant (also known as c.986A>G), located in coding exon 8 of the DNAH5 gene, results from an A to G substitution at nucleotide position 986. The glutamic acid at codon 329 is replaced by glycine, an amino acid with similar properties. This amino acid position is conserved. In addition, this alteration is predicted to be tolerated by in silico analysis. Since supporting evidence is limited at this time, the clinical significance of this alteration remains unclear.